The following is an entry in ClinVar:

ClinVar aggregate classification (germline): Uncertain significance (1 of 4 stars; one submission).

Allele frequency attached by ClinVar (database versions not stated): TOPMed below 0.00001.

Submission:

Labcorp Genetics (formerly Invitae), Labcorp
Classification: Uncertain significance. Last evaluated: 2024-05-31. Review status: criteria provided, single submitter. Criteria: Invitae Variant Classification Sherloc (09022015). Collection method: clinical testing. Allele origin: germline.
Comment: This sequence change replaces alanine, which is neutral and non-polar, with threonine, which is neutral and polar, at codon 1604 of the COL11A1 protein (p.Ala1604Thr). This variant is not present in population databases (gnomAD no frequency). This variant has not been reported in the literature in individuals affected with COL11A1-related conditions. Advanced modeling of protein sequence and biophysical properties (such as structural, functional, and spatial information, amino acid conservation, physicochemical variation, residue mobility, and thermodynamic stability) has been performed at Invitae for this missense variant, however the output from this modeling did not meet the statistical confidence thresholds required to predict the impact of this variant on COL11A1 protein function. In summary, the available evidence is currently insufficient to determine the role of this variant in disease. Therefore, it has been classified as a Variant of Uncertain Significance.

NM_001854.4(COL11A1):c.4810G>A (p.Ala1604Thr)

Gene: COL11A1 (collagen type XI alpha 1 chain; minus strand). Cytogenetic location: 1p21.1.
Variant type: single nucleotide variant.
Coding change: c.4810G>A on transcript NM_001854.4 (MANE Select); coding-DNA position 4810, G replaced by A.
Protein change: p.Ala1604Thr; replaces alanine 1604 with threonine.
Molecular consequence: missense variant. On other transcripts: non-coding transcript variant (1).
Genome position (GRCh38, 1-based): chr1:102,886,855, C>T on the plus strand (G>A on the coding strand, the complement: COL11A1 is on the minus strand). VCF-style: chr1-102886855-C-T. GRCh37 (hg19) VCF-style: chr1-103352411-C-T.
Other names: c.4462G>A, p.Ala1488Thr (NM_001168249.1, NM_080630.4); c.4693G>A, p.Ala1565Thr (NM_001190709.2); c.4846G>A, p.Ala1616Thr (NM_080629.3); short protein forms A1604T, A1488T, A1565T, A1616T.
Identifiers: ClinVar variation 2811014 (VCV002811014.3), dbSNP rs1651044014, ClinGen allele CA341211810.